The following is an entry in ClinVar:

ClinVar aggregate classification (germline): Uncertain significance (1 of 4 stars; one submission).

Submission:

GeneDx
Classification: Uncertain significance. Last evaluated: 2026-03-27. Review status: criteria provided, single submitter. Criteria: GeneDx Variant Classification Process June 2021. Collection method: clinical testing. Allele origin: germline.
Comment: Not observed at significant frequency in large population cohorts (gnomAD); In silico analysis supports that this missense variant has a deleterious effect on protein structure/function; Has not been previously published as pathogenic or benign to our knowledge

NM_138576.4(BCL11B):c.1786G>T (p.Gly596Cys)

Gene: BCL11B (BCL11 transcription factor B; minus strand). Cytogenetic location: 14q32.2.
Variant type: single nucleotide variant.
Coding change: c.1786G>T on transcript NM_138576.4 (MANE Select); coding-DNA position 1786, G replaced by T.
Protein change: p.Gly596Cys; replaces glycine 596 with cysteine.
Molecular consequence: missense variant.
Genome position (GRCh38, 1-based): chr14:99,175,050, C>A on the plus strand (G>T on the coding strand, the complement: BCL11B is on the minus strand). VCF-style: chr14-99175050-C-A. GRCh37 (hg19) VCF-style: chr14-99641387-C-A.
Other names: c.1783G>T, p.Gly595Cys (NM_001282237.2); c.1570G>T, p.Gly524Cys (NM_001282238.2); c.1573G>T, p.Gly525Cys (NM_022898.3); short protein forms G524C, G525C, G595C, G596C.
Identifiers: ClinVar variation 5017515 (VCV005017515.1).